The following is an entry in ClinVar:

NM_005359.6(SMAD4):c.947A>G (p.Asn316Ser)

Gene: SMAD4 (SMAD family member 4; plus strand). Cytogenetic location: 18q21.2.
Variant type: single nucleotide variant.
Coding change: c.947A>G on transcript NM_005359.6 (MANE Select); coding-DNA position 947, A replaced by G.
Protein change: p.Asn316Ser; replaces asparagine 316 with serine.
Molecular consequence: missense variant.
Genome position (GRCh38, 1-based): chr18:51,059,908, A>G. VCF-style: chr18-51059908-A-G. GRCh37 (hg19) VCF-style: chr18-48586278-A-G.
Other names: short protein forms N316S.
Identifiers: ClinVar variation 135245 (VCV000135245.40), dbSNP rs377119288, ClinGen allele CA162134.

ClinVar aggregate classification (germline): Conflicting classifications of pathogenicity. Review status: criteria provided, conflicting classifications (1 of 4 stars). 13 submissions from 13 submitters: Uncertain significance (5); Benign (2); Likely benign (4). 2 of the submissions do not count toward it. Last evaluated 2026-02-02.

Conditions:
Familial thoracic aortic aneurysm and aortic dissection (TAAD). Also called: Thoracic aortic aneurysms and dissections. Identifiers: Orphanet 91387, MedGen C4707243, MONDO:0019625.
Hereditary cancer-predisposing syndrome. Also called: Neoplastic Syndromes, Hereditary; Tumor predisposition; Hereditary Cancer Syndrome; Hereditary neoplastic syndrome. Identifiers: Orphanet 140162, MedGen C0027672, MeSH D009386, MONDO:0015356.
Juvenile polyposis syndrome (JPS). Identifiers: Orphanet 2929, MedGen C0345893, MONDO:0017380, OMIM 174900.
SMAD4-related disorder. Also called: SMAD4-related condition; SMAD4-Related disorders.
Juvenile polyposis/hereditary hemorrhagic telangiectasia syndrome (JPHT). Also called: POLYPOSIS, GENERALIZED JUVENILE, WITH PULMONARY ARTERIOVENOUS MALFORMATION; TELANGIECTASIA, HEREDITARY HEMORRHAGIC, WITH JUVENILE POLYPOSIS COLI; JP/HHT SYNDROME; JUVENILE POLYPOSIS WITH HEREDITARY HEMORRHAGIC TELANGIECTASIA; Juvenile Polyposis Syndrome / Hereditary Hemorrhagic Telangiectasia (JPS/HHT). Identifiers: Orphanet 2929, MedGen C1832942, MONDO:0008278, OMIM 175050.

Allele frequency attached by ClinVar (database versions not stated): gnomAD 0.00003 and 0.00005; gnomAD exomes 0.00004 and 0.00006; ExAC 0.00006; TOPMed 0.00006.
gnomAD v4.1: 70 of 1,611,112 alleles (0.0043%); highest among the groups gnomAD compares: South Asian, 0.043%; 2 homozygotes.

Submissions (13):

Labcorp Genetics (formerly Invitae), Labcorp
Classification: Benign for Juvenile polyposis syndrome. Last evaluated: 2026-02-02. Review status: criteria provided, single submitter. Criteria: Invitae Variant Classification Sherloc (09022015). Collection method: clinical testing. Allele origin: germline.

PreventionGenetics, part of Exact Sciences
Classification: Likely benign for SMAD4-related condition. Last evaluated: 2025-12-04. Review status: criteria provided, single submitter. Criteria: ACMG Guidelines, 2015. Collection method: clinical testing. Allele origin: germline.
Comment: This variant is classified as likely benign based on ACMG/AMP sequence variant interpretation guidelines (Richards et al. 2015 PMID: 25741868, with internal and published modifications).

Women's Health and Genetics/Laboratory Corporation of America, LabCorp
Classification: Likely benign. Last evaluated: 2025-01-16. Review status: criteria provided, single submitter. Criteria: LabCorp Variant Classification Summary - May 2015. Collection method: clinical testing. Allele origin: germline.
Comment: Variant summary: SMAD4 c.947A>G (p.Asn316Ser) results in a conservative amino acid change in the encoded protein sequence. Three of five in-silico tools predict a benign effect of the variant on protein function. The variant allele was found at a frequency of 5.6e-05 in 251388 control chromosomes, predominantly at a frequency of 0.00033 within the South Asian subpopulation in the gnomAD database. The observed variant frequency within South Asian control individuals in the gnomAD database is approximately 165 fold of the estimated maximal expected allele frequency for a pathogenic variant in SMAD4 causing Juvenile Polyposis Syndrome phenotype (2e-06), strongly suggesting that the variant is a benign polymorphism found primarily in populations of South Asian origin. c.947A>G has been reported in the literature in individuals who underwent multigene panel testing for a variety of indications. As a representative ascertainment, it was reported as a probably benign variant in a patient with medulloblastoma (e.g., Zhang_2015), as a VUS in patients with polyps/colorectal cancer (e.g., Chang_2017, Buendia_2021, Xu_2020), as a VUS in a patient with pulmonary hypertension (e.g., Yang_2018), as a VUS in a patient with breast and/or ovarian cancer (e.g., Kwong_2020). These reports do not provide unequivocal conclusions about association of the variant with Juvenile Polyposis Syndrome. The APC variant was reported as a spontaneous mutation whereas the MLH1 and this SMAD4 variants were both maternally derived. To our knowledge, no experimental evidence demonstrating an impact on protein function has been reported. The following publications have been ascertained in the context of this evaluation (PMID: 26580448, 32068069, 33745841, 29069792, 29743074, 32973888). ClinVar contains an entry for this variant (Variation ID: 135245). Based on the evidence outlined above, the variant was classified as likely benign.

Quest Diagnostics Nichols Institute San Juan Capistrano
Classification: Likely benign. Last evaluated: 2024-08-13. Review status: criteria provided, single submitter. Criteria: Quest Diagnostics criteria. Collection method: clinical testing. Allele origin: unknown.

GeneDx
Classification: Uncertain significance. Last evaluated: 2024-03-04. Review status: criteria provided, single submitter. Criteria: GeneDx Variant Classification Process June 2021. Collection method: clinical testing. Allele origin: germline. Affected: yes.
Comment: In silico analysis supports that this missense variant does not alter protein structure/function; This variant is associated with the following publications: (PMID: 31856217, 32068069, 24728327, 28199989, 29069792, 29743074, 32973888, 33745841, 35670754, 29212164, 26580448, 10636916, 37966258, 36243179)

Myriad Genetics, Inc.
Classification: Uncertain significance for Juvenile polyposis/hereditary hemorrhagic telangiectasia syndrome. Last evaluated: 2023-04-10. Review status: criteria provided, single submitter. Criteria: Myriad Autosomal Dominant, Autosomal Recessive and X-Linked Classification Criteria (2023). Collection method: clinical testing. Allele origin: unknown.
Comment: This variant is classified as a variant of uncertain significance as there is insufficient evidence to determine its impact on protein function and/or cancer risk.

Ambry Genetics
Classification: Benign for Hereditary cancer-predisposing syndrome; Familial thoracic aortic aneurysm and aortic dissection. Last evaluated: 2022-09-12. Review status: criteria provided, single submitter. Criteria: Ambry Variant Classification Scheme 2023. Collection method: clinical testing. Allele origin: germline.

Sema4
Classification: Uncertain significance for Hereditary cancer-predisposing syndrome. Last evaluated: 2022-03-09. Review status: criteria provided, single submitter. Criteria: Sema4 Curation Guidelines. Collection method: curation. Allele origin: germline.
Comment: The SMAD4 c.947A>G (p.N316S) variant has been reported in heterozygosity in at least 5 individuals with breast and/or ovarian cancer, medulloblastoma, Lynch-like syndrome, neuroendocrine cervical cancer and neck squamous cell carcinoma (PMID: 32068069, 26580448, 32973888, 27079212, 26614708). It was observed in 10/30608 chromosomes of the South Asian (SAS) subpopulation, with no homozygotes, in the large and broad cohorts of the Genome Aggregation Database (PMID: 32461654). This variant has been reported in ClinVar (Variation ID 135245). Functional studies have not been performed, and in silico predictions of the variant's effect on protein function are inconclusive. The evidence is insufficient to meet ACMG/AMP criteria for classifying the variant as benign or pathogenic. Thus, the clinical significance of this variant is currently uncertain.

Color Diagnostics, LLC DBA Color Health
Classification: Likely benign for Hereditary cancer-predisposing syndrome. Last evaluated: 2020-02-11. Review status: criteria provided, single submitter. Criteria: ACMG Guidelines, 2015. Collection method: clinical testing. Allele origin: germline.

CHEO Genetics Diagnostic Laboratory, Children's Hospital of Eastern Ontario
Classification: Uncertain significance for Familial thoracic aortic aneurysm and aortic dissection. Last evaluated: 2017-08-04. Review status: criteria provided, single submitter. Criteria: ACMG Guidelines, 2015. Collection method: clinical testing. Allele origin: germline. Study: Canadian Open Genetics Repository.

Eurofins Ntd Llc (ga)
Classification: Uncertain significance. Last evaluated: 2017-02-10. Review status: criteria provided, single submitter. Criteria: EGL Classification Definitions 2015. Collection method: clinical testing. Allele origin: germline. Observed: 1 variant allele, 1 heterozygote.

Counsyl
Classification: Uncertain significance for Juvenile polyposis syndrome. Last evaluated: 2015-12-16. Review status: no assertion criteria provided. Collection method: clinical testing. Allele origin: unknown. Not counted in ClinVar's aggregate classification.

ITMI
No classification provided. Condition: AllHighlyPenetrant. Last evaluated: 2013-09-19. Review status: no classification provided. Collection method: reference population. Allele origin: germline. Not counted in ClinVar's aggregate classification.
Comment: Please see associated publication for description of ethnicities

Literature cited by the submitters: PubMed 26580448 (cited by 3 submitters); PubMed 32068069 (cited by 3 submitters); PubMed 33745841 (cited by Women's Health and Genetics/Laboratory Corporation of America, LabCorp); PubMed 29069792 (cited by Women's Health and Genetics/Laboratory Corporation of America, LabCorp and Quest Diagnostics Nichols Institute San Juan Capistrano); PubMed 29743074 (cited by Women's Health and Genetics/Laboratory Corporation of America, LabCorp); PubMed 32973888 (cited by 3 submitters); PubMed 29212164 (cited by Quest Diagnostics Nichols Institute San Juan Capistrano); PubMed 36243179 (cited by Quest Diagnostics Nichols Institute San Juan Capistrano); PubMed 24728327 (cited by 3 submitters); PubMed 27079212 (cited by Sema4); PubMed 26614708 (cited by Sema4).